The following is an entry in ClinVar:

NM_005530.3(IDH3A):c.1032T>C (p.Asp344=)

Genes: ACSBG1 (acyl-CoA synthetase bubblegum family member 1; minus strand), IDH3A (isocitrate dehydrogenase (NAD(+)) 3 catalytic subunit alpha; plus strand). Cytogenetic location: 15q25.1.
Variant type: single nucleotide variant.
Coding change: c.1032T>C on transcript NM_005530.3 (MANE Select); coding-DNA position 1032, T replaced by C.
Protein change: p.Asp344=; no amino-acid change (aspartic acid 344 retained).
Molecular consequence: synonymous variant. On other transcripts: 3 prime UTR variant (2).
Genome position (GRCh38, 1-based): chr15:78,168,936, T>C. VCF-style: chr15-78168936-T-C. GRCh37 (hg19) VCF-style: chr15-78461278-T-C.
Other names: c.*2508A>G (NM_001199377.2, NM_015162.5).
Identifiers: ClinVar variation 1167067 (VCV001167067.11), dbSNP rs76789131, ClinGen allele CA7680754.

ClinVar aggregate classification (germline): Benign. Review status: criteria provided, single submitter (1 of 4 stars). 2 submissions from 2 submitters: Benign (1). 1 of the submissions does not count toward it. Last evaluated 2026-01-28.

Conditions:
IDH3A-related disorder. Also called: IDH3A-related condition.

Allele frequency attached by ClinVar (database versions not stated): ESP Exome Variant Server 0.00023; gnomAD exomes 0.00068 and 0.00239; gnomAD 0.00080 and 0.00108; TOPMed 0.00150; 1000 Genomes Project 0.00679; 1000 Genomes Project 30x 0.00750; ExAC 0.00246.
gnomAD v4.1: 1,228 of 1,599,690 alleles (0.077%); highest among the groups gnomAD compares: East Asian, 2.4%; 15 homozygotes.

Submissions (2):

Labcorp Genetics (formerly Invitae), Labcorp
Classification: Benign. Last evaluated: 2026-01-28. Review status: criteria provided, single submitter. Criteria: Invitae Variant Classification Sherloc (09022015). Collection method: clinical testing. Allele origin: germline.

PreventionGenetics, part of Exact Sciences
Classification: Benign for IDH3A-related condition. Last evaluated: 2019-02-22. Review status: no assertion criteria provided. Collection method: clinical testing. Allele origin: germline. Not counted in ClinVar's aggregate classification.
Comment: This variant is classified as benign based on ACMG/AMP sequence variant interpretation guidelines (Richards et al. 2015 PMID: 25741868, with internal and published modifications).